The following is an entry in ClinVar:

ClinVar aggregate classification (germline): Uncertain significance (1 of 4 stars; one submission).

gnomAD v4.1: 8 of 1,614,092 alleles (0.0005%); highest among the groups gnomAD compares: South Asian, 0.0044%; no homozygotes.

Submission:

Women's Health and Genetics/Laboratory Corporation of America, LabCorp
Classification: Uncertain significance. Last evaluated: 2024-06-21. Review status: criteria provided, single submitter. Criteria: LabCorp Variant Classification Summary - May 2015. Collection method: clinical testing. Allele origin: germline.
Comment: Variant summary: SPEN c.2612G>A (p.Arg871His) results in a non-conservative amino acid change in the encoded protein sequence. Four of five in-silico tools predict a damaging effect of the variant on protein function. The variant allele was found at a frequency of 1.2e-05 in 251310 control chromosomes. The available data on variant occurrences in the general population are insufficient to allow any conclusion about variant significance. c.2612G>A has been reported in the literature in at least one individual affected with an unspecified neurodevelopmental disorder (e.g. Wang_2020). This report does not provide unequivocal conclusions about association of the variant with Radio-Tartaglia Syndrome. To our knowledge, no experimental evidence demonstrating an impact on protein function has been reported. The following publication has been ascertained in the context of this evaluation (PMID: 33004838). No submitters have cited clinical-significance assessments for this variant to ClinVar. Based on the evidence outlined above, the variant was classified as uncertain significance.

Literature cited by the submitters: PubMed 33004838.

NM_015001.3(SPEN):c.2612G>A (p.Arg871His)

Gene: SPEN (spen family transcriptional repressor; plus strand). Cytogenetic location: 1p36.13.
Variant type: single nucleotide variant.
Coding change: c.2612G>A on transcript NM_015001.3 (MANE Select); coding-DNA position 2612, G replaced by A.
Protein change: p.Arg871His; replaces arginine 871 with histidine.
Molecular consequence: missense variant.
Genome position (GRCh38, 1-based): chr1:15,928,852, G>A. VCF-style: chr1-15928852-G-A. GRCh37 (hg19) VCF-style: chr1-16255347-G-A.
Other names: short protein forms R871H.
Identifiers: ClinVar variation 3339903 (VCV003339903.1).